The following is an entry in ClinVar:

ClinVar aggregate classification (germline): Uncertain significance (1 of 4 stars; one submission).

Submission:

Labcorp Genetics (formerly Invitae), Labcorp
Classification: Uncertain significance. Last evaluated: 2024-08-19. Review status: criteria provided, single submitter. Criteria: Invitae Variant Classification Sherloc (09022015). Collection method: clinical testing. Allele origin: germline.
Comment: This sequence change creates a premature translational stop signal (p.Ala198Glyfs*5) in the CTR9 gene. It is expected to result in an absent or disrupted protein product. However, the current clinical and genetic evidence is not sufficient to establish whether loss-of-function variants in CTR9 cause disease. This variant is not present in population databases (gnomAD no frequency). This variant has not been reported in the literature in individuals affected with CTR9-related conditions. Algorithms developed to predict the effect of sequence changes on RNA splicing suggest that this variant may disrupt the consensus splice site. In summary, the available evidence is currently insufficient to determine the role of this variant in disease. Therefore, it has been classified as a Variant of Uncertain Significance.

NM_014633.5(CTR9):c.593del (p.Ala198fs)

Gene: CTR9 (CTR9 component of Paf1/RNA polymerase II complex; plus strand). Cytogenetic location: 11p15.4.
Variant type: Deletion.
Coding change: c.593del on transcript NM_014633.5 (MANE Select); coding-DNA position 593, one base deleted (C; older notation c.593delC).
Protein change: p.Ala198fs; shifts the reading frame from alanine 198.
Molecular consequence: frameshift variant.
Genome position (GRCh38, 1-based): chr11:10,760,173, C deleted. VCF-style (leftmost placement, unchanged base first): chr11-10760172-GC-G. GRCh37 (hg19) VCF-style: chr11-10781719-GC-G.
Other names: c.593del, p.Ala198fs (NM_001346279.2); short protein forms A198fs.
Identifiers: ClinVar variation 3693658 (VCV003693658.2).